The following is an entry in ClinVar:

ClinVar aggregate classification (germline): Uncertain significance (1 of 4 stars; one submission).

Allele frequency attached by ClinVar (database versions not stated): ExAC 0.00002; gnomAD exomes 0.00002.
gnomAD v4.1: 36 of 1,613,788 alleles (0.0022%); highest among the groups gnomAD compares: Non-Finnish European, 0.0031%; no homozygotes.

Submission:

Labcorp Genetics (formerly Invitae), Labcorp
Classification: Uncertain significance. Last evaluated: 2023-11-20. Review status: criteria provided, single submitter. Criteria: Invitae Variant Classification Sherloc (09022015). Collection method: clinical testing. Allele origin: germline.
Comment: This sequence change falls in intron 32 of the CACNA2D4 gene. It does not directly change the encoded amino acid sequence of the CACNA2D4 protein. It affects a nucleotide within the consensus splice site. This variant is present in population databases (rs773484873, gnomAD 0.005%). This variant has not been reported in the literature in individuals affected with CACNA2D4-related conditions. ClinVar contains an entry for this variant (Variation ID: 1436845). Variants that disrupt the consensus splice site are a relatively common cause of aberrant splicing (PMID: 17576681, 9536098). Algorithms developed to predict the effect of sequence changes on RNA splicing suggest that this variant is not likely to affect RNA splicing. In summary, the available evidence is currently insufficient to determine the role of this variant in disease. Therefore, it has been classified as a Variant of Uncertain Significance.

Literature cited by the submitters: PubMed 17576681; PubMed 9536098.

NM_172364.5(CACNA2D4):c.2921+3G>A

Gene: CACNA2D4 (calcium voltage-gated channel auxiliary subunit alpha2delta 4; minus strand). Cytogenetic location: 12p13.33.
Variant type: single nucleotide variant.
Coding change: c.2921+3G>A on transcript NM_172364.5 (MANE Select); 3 bases into the intron after coding-DNA position 2921, G replaced by A.
Molecular consequence: intron variant.
Genome position (GRCh38, 1-based): chr12:1,800,383, C>T on the plus strand (G>A on the coding strand, the complement: CACNA2D4 is on the minus strand). VCF-style: chr12-1800383-C-T. GRCh37 (hg19) VCF-style: chr12-1909549-C-T.
Identifiers: ClinVar variation 1436845 (VCV001436845.6), dbSNP rs773484873, ClinGen allele CA6386150.